The following is an entry in ClinVar:

ClinVar aggregate classification (germline): Likely pathogenic (1 of 4 stars; one submission).

Submission:

Institute for Clinical Genetics, University Hospital TU Dresden, University Hospital TU Dresden
Classification: Likely pathogenic. Last evaluated: 2023-05-05. Review status: criteria provided, single submitter. Criteria: ACMG Guidelines, 2015. Collection method: clinical testing. Allele origin: germline.
Comment: PVS1, PM2_SUP

NM_000093.5(COL5A1):c.2440_2447dup (p.Gly817fs)

Gene: COL5A1 (collagen type V alpha 1 chain; plus strand). Cytogenetic location: 9q34.3.
Variant type: Duplication.
Coding change: c.2440_2447dup on transcript NM_000093.5 (MANE Select); coding-DNA positions 2440 to 2447, 8 bases duplicated (GGCTTTCC; older notation c.2440_2447dupGGCTTTCC).
Protein change: p.Gly817fs; shifts the reading frame from glycine 817.
Molecular consequence: frameshift variant.
Genome position (GRCh38, 1-based): chr9:134,782,676-134,782,683, GGCTTTCC duplicated; duplicating any 8 consecutive bases within chr9:134,782,675-134,782,683 gives the same sequence; the c. name uses the placement nearest the transcript's 3' end. VCF-style (leftmost placement, unchanged base first): chr9-134782674-A-ACGGCTTTC. GRCh37 (hg19) VCF-style: chr9-137674520-A-ACGGCTTTC.
Other names: c.2440_2447dup, p.Gly817fs (NM_001278074.1); short protein forms G817fs.
Identifiers: ClinVar variation 2576131 (VCV002576131.1), dbSNP rs2490715100, ClinGen allele CA2580617143.